The following is an entry in ClinVar:

NM_002386.4(MC1R):c.753C>A (p.Phe251Leu)

Gene: MC1R (melanocortin 1 receptor; plus strand). Cytogenetic location: 16q24.3.
Variant type: single nucleotide variant.
Coding change: c.753C>A on transcript NM_002386.4 (MANE Select); coding-DNA position 753, C replaced by A.
Protein change: p.Phe251Leu; replaces phenylalanine 251 with leucine.
Molecular consequence: missense variant.
Genome position (GRCh38, 1-based): chr16:89,920,011, C>A. VCF-style: chr16-89920011-C-A. GRCh37 (hg19) VCF-style: chr16-89986419-C-A.
Other names: short protein forms F251L.
Identifiers: ClinVar variation 1427152 (VCV001427152.8), dbSNP rs561571645, ClinGen allele CA8255734.

ClinVar aggregate classification (germline): Uncertain significance (1 of 4 stars; one submission).

Conditions:
Melanoma, cutaneous malignant, susceptibility to, 5. Also called: Cutaneous malignant melanoma 5. Identifiers: Orphanet 618, MedGen C2751295, MONDO:0013133, OMIM 613099.

gnomAD v4.1: 1 of 1,613,656 alleles (0.000062%); highest among the groups gnomAD compares: Admixed American, 0.0017%; no homozygotes.

Submission:

Labcorp Genetics (formerly Invitae), Labcorp
Classification: Uncertain significance for Melanoma, cutaneous malignant, susceptibility to, 5. Last evaluated: 2021-03-29. Review status: criteria provided, single submitter. Criteria: Invitae Variant Classification Sherloc (09022015). Collection method: clinical testing. Allele origin: germline.
Comment: This sequence change replaces phenylalanine with leucine at codon 251 of the MC1R protein (p.Phe251Leu). The phenylalanine residue is highly conserved and there is a small physicochemical difference between phenylalanine and leucine. This variant is present in population databases (rs561571645, ExAC 0.009%). In summary, the available evidence is currently insufficient to determine the role of this variant in disease. Therefore, it has been classified as a Variant of Uncertain Significance. Algorithms developed to predict the effect of missense changes on protein structure and function (SIFT, PolyPhen-2, Align-GVGD) all suggest that this variant is likely to be tolerated, but these predictions have not been confirmed by published functional studies and their clinical significance is uncertain. This variant has not been reported in the literature in individuals with MC1R-related conditions.